The following is an entry in ClinVar:

ClinVar aggregate classification (germline): Uncertain significance. Review status: criteria provided, multiple submitters, no conflicts (2 of 4 stars). 2 submissions from 2 submitters: Uncertain significance (2). Last evaluated 2025-09-03.

Conditions:
NRXN3-related disorder. Also called: NRXN3-related condition.

Allele frequency attached by ClinVar (database versions not stated): ExAC 0.00006; gnomAD 0.00013; TOPMed 0.00023.
gnomAD v4.1: 165 of 1,610,778 alleles (0.01%); highest among the groups gnomAD compares: Middle Eastern, 0.45%; no homozygotes.

Submissions (2):

PreventionGenetics, part of Exact Sciences
Classification: Uncertain significance for NRXN3-related condition. Last evaluated: 2025-09-03. Review status: criteria provided, single submitter. Criteria: ACMG Guidelines, 2015. Collection method: clinical testing. Allele origin: germline.
Comment: The NRXN3 c.2786G>A variant is predicted to result in the amino acid substitution p.Arg929His. In another transcript (NM_001330195), this variant is also designated c.3995G>A (p.Arg1332His). It has been reported in the homozygous state in an individual with global developmental delay, severe learning disability, muscle anomalies, severe speech impairment, and abnormal gait (Family 2, Kamal et al. 2023. PubMed ID: 36898513). This variant is reported in 0.012% of alleles in individuals of European (Non-Finnish) descent in gnomAD. At this time, the clinical significance of this variant is uncertain due to the absence of conclusive functional and genetic evidence.

Ambry Genetics
Classification: Uncertain significance. Last evaluated: 2024-03-19. Review status: criteria provided, single submitter. Criteria: Ambry Variant Classification Scheme 2023. Collection method: clinical testing. Allele origin: germline.

NM_001330195.2(NRXN3):c.3995G>A (p.Arg1332His)

Gene: NRXN3 (neurexin 3; plus strand). Cytogenetic location: 14q31.1.
Variant type: single nucleotide variant.
Coding change: c.3995G>A on transcript NM_001330195.2 (MANE Select); coding-DNA position 3995, G replaced by A.
Protein change: p.Arg1332His; replaces arginine 1332 with histidine.
Molecular consequence: missense variant. On other transcripts: non-coding transcript variant (5).
Genome position (GRCh38, 1-based): chr14:79,697,918, G>A. VCF-style: chr14-79697918-G-A. GRCh37 (hg19) VCF-style: chr14-80164261-G-A.
Other names: c.980G>A, p.Arg327His (NM_001105250.3); c.890G>A, p.Arg297His (NM_001272020.2, NM_138970.5); c.3905G>A, p.Arg1302His (NM_001366425.1); c.4007G>A, p.Arg1336His (NM_001366426.1); c.2786G>A, p.Arg929His (NM_004796.6); c.2786G>A (NM_004796.5); short protein forms R1302H, R929H, R1332H, R1336H, R297H, R327H.
Identifiers: ClinVar variation 2302630 (VCV002302630.3), dbSNP rs200707419, ClinGen allele CA7292359.
Genomic context (GRCh38, chr14:79,697,918, plus strand): 5'-TGTCTACTACTGTCATGGAAACCACTACTACAATGGCGACTACCACAACCCGTAAGAATC[G>A]CTCTACAGCCAGCATTCAGGTAGGCCTTTTTCCAAGTATTAATTGCGTCTGTATTTTTAT-3'
Protein context (NP_001317124.1, residues 1322-1342): TMATTTTRKN[Arg1332His]STASIQPTSD